The following is an entry in ClinVar:

ClinVar aggregate classification (germline): Uncertain significance (1 of 4 stars; one submission).

Submission:

Labcorp Genetics (formerly Invitae), Labcorp
Classification: Uncertain significance. Last evaluated: 2025-02-08. Review status: criteria provided, single submitter. Criteria: Invitae Variant Classification Sherloc (09022015). Collection method: clinical testing. Allele origin: germline.
Comment: This sequence change replaces aspartic acid, which is acidic and polar, with glutamic acid, which is acidic and polar, at codon 657 of the SEC63 protein (p.Asp657Glu). This variant is not present in population databases (gnomAD no frequency). This variant has not been reported in the literature in individuals affected with SEC63-related conditions. An algorithm developed to predict the effect of missense changes on protein structure and function (PolyPhen-2) suggests that this variant is likely to be disruptive. In summary, the available evidence is currently insufficient to determine the role of this variant in disease. Therefore, it has been classified as a Variant of Uncertain Significance.

NM_007214.5(SEC63):c.1971T>G (p.Asp657Glu)

Gene: SEC63 (SEC63 protein translocation regulator; minus strand). Cytogenetic location: 6q21.
Variant type: single nucleotide variant.
Coding change: c.1971T>G on transcript NM_007214.5 (MANE Select); coding-DNA position 1971, T replaced by G.
Protein change: p.Asp657Glu; replaces aspartic acid 657 with glutamic acid.
Molecular consequence: missense variant.
Genome position (GRCh38, 1-based): chr6:107,876,627, A>C on the plus strand (T>G on the coding strand, the complement: SEC63 is on the minus strand). VCF-style: chr6-107876627-A-C. GRCh37 (hg19) VCF-style: chr6-108197831-A-C.
Other names: short protein forms D657E.
Identifiers: ClinVar variation 4712607 (VCV004712607.1).